The following is an entry in ClinVar:

ClinVar aggregate classification (germline): Conflicting classifications of pathogenicity. Review status: criteria provided, conflicting classifications (1 of 4 stars). 5 submissions from 4 submitters: Uncertain significance (1); Benign (2); Likely benign (2). Last evaluated 2026-02-02.

Conditions:
Glaucoma 3, primary congenital, D. Identifiers: Orphanet 98976, MedGen C2751316, MONDO:0013122, OMIM 613086.
Weill-Marchesani syndrome. Also called: WM Syndrome; Mesodermal dysmorphodystrophy congenital. Identifiers: Orphanet 3449, MedGen C0265313, MONDO:0018096.

Allele frequency attached by ClinVar (database versions not stated): gnomAD exomes 0.00090 and 0.00189; ExAC 0.00190; gnomAD 0.00482 and 0.00500; TOPMed 0.00487; ESP Exome Variant Server 0.00515; 1000 Genomes Project 30x 0.00531; 1000 Genomes Project 0.00539.
gnomAD v4.1: 2,123 of 1,614,180 alleles (0.13%); highest among the groups gnomAD compares: African/African-American, 1.5%; 18 homozygotes.

Submissions (5):

Labcorp Genetics (formerly Invitae), Labcorp
Classification: Benign. Last evaluated: 2026-02-02. Review status: criteria provided, single submitter. Criteria: Invitae Variant Classification Sherloc (09022015). Collection method: clinical testing. Allele origin: germline.

CeGaT Center for Human Genetics Tuebingen
Classification: Benign. Last evaluated: 2026-02-01. Review status: criteria provided, single submitter. Criteria: CeGaT Center For Human Genetics Tuebingen Variant Classification Criteria Version 2. Collection method: clinical testing. Allele origin: germline. Affected: yes. Observed: 1 variant allele.
Comment: LTBP2: BP4, BP7, BS1, BS2

GeneDx
Classification: Likely benign. Last evaluated: 2019-03-16. Review status: criteria provided, single submitter. Criteria: GeneDx Variant Classification Process June 2021. Collection method: clinical testing. Allele origin: germline. Affected: yes.

Illumina Laboratory Services, Illumina
Classification: Uncertain significance for Glaucoma 3, primary congenital, D. Last evaluated: 2018-01-13. Review status: criteria provided, single submitter. Criteria: ICSL Variant Classification Criteria 13 December 2019. Collection method: clinical testing. Allele origin: germline.

Illumina Laboratory Services, Illumina
Classification: Likely benign for Weill-Marchesani syndrome. Last evaluated: 2018-01-13. Review status: criteria provided, single submitter. Criteria: ICSL Variant Classification Criteria 13 December 2019. Collection method: clinical testing. Allele origin: germline.
Comment: This variant was observed in the ICSL laboratory as part of a predisposition screen in an ostensibly healthy population. It had not been previously curated by ICSL or reported in the Human Gene Mutation Database (HGMD: prior to June 1st, 2018), and was therefore a candidate for classification through an automated scoring system. Utilizing variant allele frequency, disease prevalence and penetrance estimates, and inheritance mode, an automated score was calculated to assess if this variant is too frequent to cause the disease. Based on the score and internal cut-off values, a variant classified as likely benign is not then subjected to further curation. The score for this variant resulted in a classification of likely benign for this disease.

NM_000428.3(LTBP2):c.3891G>A (p.Pro1297=)

Gene: LTBP2 (latent transforming growth factor beta binding protein 2; minus strand). Cytogenetic location: 14q24.3.
Variant type: single nucleotide variant.
Coding change: c.3891G>A on transcript NM_000428.3 (MANE Select); coding-DNA position 3891, G replaced by A.
Protein change: p.Pro1297=; no amino-acid change (proline 1297 retained).
Molecular consequence: synonymous variant.
Genome position (GRCh38, 1-based): chr14:74,507,195, C>T on the plus strand (G>A on the coding strand, the complement: LTBP2 is on the minus strand). VCF-style: chr14-74507195-C-T. GRCh37 (hg19) VCF-style: chr14-74973898-C-T.
Identifiers: ClinVar variation 314278 (VCV000314278.20), dbSNP rs61738013, ClinGen allele CA7269004.
Genomic context (GRCh38, chr14:74,507,195, plus strand): 5'-GTTTTCTCAGCCCTCTCTCCTCTCTCTCCTCCCTCCCTACTCACCAATGCAGTCTCCGTT[C>T]GGGGCCATGTGGAAGCCAGGCTGGCAGCCCAGAACACAGCGGTAGGAGCCAGGGCTGTTT-3'
Protein context (NP_000419.1, residues 1287-1307): LGCQPGFHMA[Pro1297=]NGDCIDIDEC